The following is an entry in ClinVar:

NM_000505.4(F12):c.1092dup (p.Lys365fs)

Gene: F12 (coagulation factor XII; minus strand). Cytogenetic location: 5q35.3.
Variant type: Duplication.
Coding change: c.1092dup on transcript NM_000505.4 (MANE Select); coding-DNA position 1092, one base duplicated (C; older notation c.1092dupC).
Protein change: p.Lys365fs; shifts the reading frame from lysine 365.
Molecular consequence: frameshift variant.
Genome position (GRCh38, 1-based): chr5:177,404,017, G duplicated on the plus strand (C on the coding strand, the reverse complement: F12 is on the minus strand). VCF-style (leftmost placement, unchanged base first): chr5-177404016-T-TG. GRCh37 (hg19) VCF-style: chr5-176831017-T-TG.
Other names: short protein forms K365fs.
Identifiers: ClinVar variation 5006873 (VCV005006873.2).

ClinVar aggregate classification (germline): Pathogenic (1 of 4 stars; one submission).

Conditions:
Factor XII deficiency disease. Also called: HAF DEFICIENCY; Reduced factor XII activity; Congenital factor XII deficiency; F12 DEFICIENCY. Identifiers: Orphanet 330, MedGen C0015526, MONDO:0009315, OMIM 234000, HP:0004841.

Submission:

Juno Genomics, Hangzhou Juno Genomics, Inc
Classification: Pathogenic for Factor XII deficiency disease. Review status: criteria provided, single submitter. Criteria: ACMG Guidelines, 2015. Collection method: clinical testing. Allele origin: germline.
Comment: Absent from controls (or at extremely low frequency if recessive) in Genome Aggregation Database.;Null variant in a gene where loss of function (LOF) is a known mechanism of disease.;For recessive disorders, detected in trans with a pathogenic variant.;Patient's phenotype or family history is highly specific for a disease with a single genetic etiology.